The following is an entry in ClinVar:

NM_000081.4(LYST):c.9239G>A (p.Trp3080Ter)

Gene: LYST (lysosomal trafficking regulator; minus strand). Cytogenetic location: 1q42.3.
Variant type: single nucleotide variant.
Coding change: c.9239G>A on transcript NM_000081.4 (MANE Select); coding-DNA position 9239, G replaced by A.
Protein change: p.Trp3080Ter; replaces tryptophan 3080 with a stop codon.
Molecular consequence: nonsense.
Genome position (GRCh38, 1-based): chr1:235,724,104, C>T on the plus strand (G>A on the coding strand, the complement: LYST is on the minus strand). VCF-style: chr1-235724104-C-T. GRCh37 (hg19) VCF-style: chr1-235887404-C-T.
Other names: c.9239G>A, p.Trp3080Ter (NM_001301365.1); short protein forms W3080*.
Identifiers: ClinVar variation 2795071 (VCV002795071.3), dbSNP rs2527474663, ClinGen allele CA344945487.

ClinVar aggregate classification (germline): Pathogenic (1 of 4 stars; one submission).

Conditions:
Chédiak-Higashi syndrome (CHS). Also called: Chediak-Higashi Syndrome. Identifiers: Orphanet 167, MedGen C0007965, MONDO:0008963, OMIM 214500.

Submission:

Labcorp Genetics (formerly Invitae), Labcorp
Classification: Pathogenic for Chédiak-Higashi syndrome. Last evaluated: 2023-07-17. Review status: criteria provided, single submitter. Criteria: Invitae Variant Classification Sherloc (09022015). Collection method: clinical testing. Allele origin: germline.
Comment: This sequence change creates a premature translational stop signal (p.Trp3080*) in the LYST gene. It is expected to result in an absent or disrupted protein product. Loss-of-function variants in LYST are known to be pathogenic (PMID: 9215679, 11857544). This variant is not present in population databases (gnomAD no frequency). This variant has not been reported in the literature in individuals affected with LYST-related conditions. For these reasons, this variant has been classified as Pathogenic.

Literature cited by the submitters: PubMed 9215679; PubMed 11857544.